The following is an entry in ClinVar:

NM_003673.4(TCAP):c.310GAG[1] (p.Glu105del)

Gene: TCAP (titin-cap; plus strand). Cytogenetic location: 17q12.
Variant type: Microsatellite.
Coding change: c.310GAG[1] on transcript NM_003673.4 (MANE Select); one copy of the 3-base unit GAG starting at c.310; the reference has two copies in a row; one copy, 3 bases deleted.
Protein change: p.Glu105del; deletes glutamic acid 105.
Molecular consequence: inframe deletion.
Genome position (GRCh38, 1-based): chr17:39,665,918-39,665,920, GAG deleted; deleting any 3 consecutive bases within chr17:39,665,913-39,665,920 gives the same sequence; the position shown is the placement nearest the transcript's 3' end. VCF-style (leftmost placement, unchanged base first): chr17-39665912-AAGG-A. GRCh37 (hg19) VCF-style: chr17-37822165-AAGG-A.
Other names: short protein forms E105del.
Identifiers: ClinVar variation 1417468 (VCV001417468.35), dbSNP rs748506107, ClinGen allele CA8532895.

ClinVar aggregate classification (germline): Uncertain significance. Review status: criteria provided, multiple submitters, no conflicts (2 of 4 stars). 3 submissions from 3 submitters: Uncertain significance (3). Last evaluated 2025-07-16.

Conditions:
Primary familial hypertrophic cardiomyopathy (HCM). Identifiers: Orphanet 99739, MedGen C0949658, MeSH D024741, MONDO:0024573. Inheritance: Various modes of inheritance.
Hypertrophic cardiomyopathy 25 (CMH25). Also called: CARDIOMYOPATHY, FAMILIAL HYPERTROPHIC, 25. Identifiers: MedGen C4225408, MONDO:0011843, OMIM 607487.
Cardiovascular phenotype. Identifiers: MedGen CN230736.

Submissions (3):

Labcorp Genetics (formerly Invitae), Labcorp
Classification: Uncertain significance for Hypertrophic cardiomyopathy 25; Primary familial hypertrophic cardiomyopathy. Last evaluated: 2025-07-16. Review status: criteria provided, single submitter. Criteria: Invitae Variant Classification Sherloc (09022015). Collection method: clinical testing. Allele origin: germline.
Comment: This variant, c.313_315del, results in the deletion of 1 amino acid(s) of the TCAP protein (p.Glu105del), but otherwise preserves the integrity of the reading frame. This variant is present in population databases (rs748506107, gnomAD 0.003%). This variant has not been reported in the literature in individuals affected with TCAP-related conditions. Experimental studies and prediction algorithms are not available or were not evaluated, and the functional significance of this variant is currently unknown. In summary, the available evidence is currently insufficient to determine the role of this variant in disease. Therefore, it has been classified as a Variant of Uncertain Significance.

CeGaT Center for Human Genetics Tuebingen
Classification: Uncertain significance. Last evaluated: 2023-04-01. Review status: criteria provided, single submitter. Criteria: CeGaT Center For Human Genetics Tuebingen Variant Classification Criteria Version 2. Collection method: clinical testing. Allele origin: germline. Affected: yes. Observed: 1 variant allele.

Ambry Genetics
Classification: Uncertain significance for Cardiovascular phenotype. Last evaluated: 2018-08-27. Review status: criteria provided, single submitter. Criteria: Ambry Variant Classification Scheme 2023. Collection method: clinical testing. Allele origin: germline.
Comment: The c.313_315delGAG variant (also known as p.E105del) is located in coding exon 2 of the TCAP gene. This variant results from an in-frame GAG deletion at nucleotide positions 313 to 315. This results in the in-frame deletion of a glutamic acid at codon 105. This amino acid position is well conserved in available vertebrate species. Since supporting evidence is limited at this time, the clinical significance of this alteration remains unclear.